The following is an entry in ClinVar:

NM_001172560.3(SSTR5):c.657G>A (p.Leu219=)

Gene: SSTR5 (somatostatin receptor 5; plus strand). Cytogenetic location: 16p13.3.
Variant type: single nucleotide variant.
Coding change: c.657G>A on transcript NM_001172560.3 (MANE Select); coding-DNA position 657, G replaced by A.
Protein change: p.Leu219=; no amino-acid change (leucine 219 retained).
Molecular consequence: synonymous variant.
Genome position (GRCh38, 1-based): chr16:1,079,525, G>A. VCF-style: chr16-1079525-G-A. GRCh37 (hg19) VCF-style: chr16-1129525-G-A.
Other names: c.657G>A, p.Leu219= (NM_001053.4).
Identifiers: ClinVar variation 715675 (VCV000715675.7), dbSNP rs4988488, ClinGen allele CA7798781.

ClinVar aggregate classification (germline): Benign. Review status: criteria provided, multiple submitters, no conflicts (2 of 4 stars). 3 submissions from 3 submitters: Benign (2). 1 of the submissions does not count toward it. Last evaluated 2019-12-31.

Conditions:
SSTR5-related disorder. Also called: SSTR5-related condition.

Allele frequency attached by ClinVar (database versions not stated): gnomAD exomes 0.00448; ExAC 0.00580; gnomAD 0.01728 and 0.01840; TOPMed 0.01958; 1000 Genomes Project 0.02077; ESP Exome Variant Server 0.02105; 1000 Genomes Project 30x 0.02264.

Submissions (3):

Labcorp Genetics (formerly Invitae), Labcorp
Classification: Benign. Last evaluated: 2019-12-31. Review status: criteria provided, single submitter. Criteria: Invitae Variant Classification Sherloc (09022015). Collection method: clinical testing. Allele origin: germline.

Breakthrough Genomics
Classification: Benign. Review status: criteria provided, single submitter. Criteria: ACMG Guidelines, 2015. Collection method: not provided. Allele origin: germline. Inheritance: Unknown mechanism. Affected: yes.

PreventionGenetics, part of Exact Sciences
Classification: Benign for SSTR5-related condition. Last evaluated: 2019-05-01. Review status: no assertion criteria provided. Collection method: clinical testing. Allele origin: germline. Not counted in ClinVar's aggregate classification.
Comment: This variant is classified as benign based on ACMG/AMP sequence variant interpretation guidelines (Richards et al. 2015 PMID: 25741868, with internal and published modifications).